The following is an entry in ClinVar:

NM_172107.4(KCNQ2):c.1252G>A (p.Gly418Ser)

Gene: KCNQ2 (potassium voltage-gated channel subfamily Q member 2; minus strand). Cytogenetic location: 20q13.33.
Variant type: single nucleotide variant.
Coding change: c.1252G>A on transcript NM_172107.4 (MANE Select); coding-DNA position 1252, G replaced by A.
Protein change: p.Gly418Ser; replaces glycine 418 with serine.
Molecular consequence: missense variant. On other transcripts: intron variant (6).
Genome position (GRCh38, 1-based): chr20:63,419,668, C>T on the plus strand (G>A on the coding strand, the complement: KCNQ2 is on the minus strand). VCF-style: chr20-63419668-C-T. GRCh37 (hg19) VCF-style: chr20-62051021-C-T.
Other names: c.1217+4509G>A (NM_001439004.1, NM_004518.6); c.1247+4509G>A (NM_172108.5, NM_001439003.1, NM_172106.3 and 1 more transcripts); short protein forms G418S.
Identifiers: ClinVar variation 4747413 (VCV004747413.1).

ClinVar aggregate classification (germline): Uncertain significance (1 of 4 stars; one submission).

Conditions:
Early-infantile DEE. Also called: Ohtahara syndrome; Early infantile epileptic encephalopathy with suppression bursts; Early infantile epileptic encephalopathy. Identifiers: Orphanet 1934, MedGen C0393706, MONDO:0800491.

Submission:

Labcorp Genetics (formerly Invitae), Labcorp
Classification: Uncertain significance for Early-infantile DEE. Last evaluated: 2025-06-29. Review status: criteria provided, single submitter. Criteria: Invitae Variant Classification Sherloc (09022015). Collection method: clinical testing. Allele origin: germline.
Comment: This sequence change replaces glycine, which is neutral and non-polar, with serine, which is neutral and polar, at codon 418 of the KCNQ2 protein (p.Gly418Ser). This variant is not present in population databases (gnomAD no frequency). This variant has not been reported in the literature in individuals affected with KCNQ2-related conditions. An algorithm developed to predict the effect of missense changes on protein structure and function outputs the following: PolyPhen-2: "Benign". The serine amino acid residue is found in multiple mammalian species, which suggests that this missense change does not adversely affect protein function. In summary, the available evidence is currently insufficient to determine the role of this variant in disease. Therefore, it has been classified as a Variant of Uncertain Significance.